The following is an entry in ClinVar:

NM_000092.5(COL4A4):c.2410G>A (p.Gly804Ser)

Gene: COL4A4 (collagen type IV alpha 4 chain; minus strand). Cytogenetic location: 2q36.3.
Variant type: single nucleotide variant.
Coding change: c.2410G>A on transcript NM_000092.5 (MANE Select); coding-DNA position 2410, G replaced by A.
Protein change: p.Gly804Ser; replaces glycine 804 with serine.
Molecular consequence: missense variant.
Genome position (GRCh38, 1-based): chr2:227,057,574, C>T on the plus strand (G>A on the coding strand, the complement: COL4A4 is on the minus strand). VCF-style: chr2-227057574-C-T. GRCh37 (hg19) VCF-style: chr2-227922290-C-T.
Other names: short protein forms G804S.
Identifiers: ClinVar variation 2474959 (VCV002474959.3), dbSNP rs891673170, ClinGen allele CA350841478.

ClinVar aggregate classification (germline): Conflicting classifications of pathogenicity. Review status: criteria provided, conflicting classifications (1 of 4 stars). 2 submissions from 2 submitters: Likely pathogenic (1); Uncertain significance (1). Last evaluated 2025-09-02.

Conditions:
Alport syndrome. Also called: Hemorrhagic familial nephritis; Hemorrhagic hereditary nephritis; Congenital hereditary hematuria. Identifiers: Orphanet 63, MedGen C1567741, MONDO:0018965.
Inborn genetic diseases. Identifiers: MedGen C0950123, MeSH D030342.

Allele frequency attached by ClinVar (database versions not stated): gnomAD exomes below 0.00001.
gnomAD v4.1: 5 of 1,614,136 alleles (0.00031%); highest among the groups gnomAD compares: Non-Finnish European, 0.00042%; no homozygotes.

Submissions (2):

Natera, Inc.
Classification: Likely pathogenic for Alport syndrome. Last evaluated: 2025-09-02. Review status: criteria provided, single submitter. Criteria: Natera Variant Classification Schema (03/2026). Collection method: clinical testing. Allele origin: germline.
Comment: The c.2410G>A variant in COL4A4 is a missense variant predicted to cause substitution of glycine to serine at amino acid 804. This variant is rare in the general population with a frequency below the threshold expected for the associated phenotype(s). This variant is located in a functionally critical region of the protein. Computational prediction algorithms indicate this variant is likely to affect gene or protein function. Given the available evidence, this variant is classified as Likely Pathogenic.

Ambry Genetics
Classification: Uncertain significance for Inborn genetic diseases. Last evaluated: 2023-01-10. Review status: criteria provided, single submitter. Criteria: Ambry Variant Classification Scheme 2023. Collection method: clinical testing. Allele origin: germline.